The following is an entry in ClinVar:

NM_183357.3(ADCY5):c.1313G>C (p.Arg438Pro)

Gene: ADCY5 (adenylate cyclase 5; minus strand). Cytogenetic location: 3q21.1.
Variant type: single nucleotide variant.
Coding change: c.1313G>C on transcript NM_183357.3 (MANE Select); coding-DNA position 1313, G replaced by C.
Protein change: p.Arg438Pro; replaces arginine 438 with proline.
Molecular consequence: missense variant.
Genome position (GRCh38, 1-based): chr3:123,347,875, C>G on the plus strand (G>C on the coding strand, the complement: ADCY5 is on the minus strand). VCF-style: chr3-123347875-C-G. GRCh37 (hg19) VCF-style: chr3-123066722-C-G.
Other names: c.263G>C, p.Arg88Pro (NM_001199642.1); c.1313G>C, p.Arg438Pro (NM_001378259.1); short protein forms R438P, R88P.
Identifiers: ClinVar variation 2734557 (VCV002734557.3), dbSNP rs1942631205, ClinGen allele CA354221967.

ClinVar aggregate classification (germline): Uncertain significance (1 of 4 stars; one submission).

Submission:

Labcorp Genetics (formerly Invitae), Labcorp
Classification: Uncertain significance. Last evaluated: 2023-11-20. Review status: criteria provided, single submitter. Criteria: Invitae Variant Classification Sherloc (09022015). Collection method: clinical testing. Allele origin: germline.
Comment: This sequence change replaces arginine, which is basic and polar, with proline, which is neutral and non-polar, at codon 438 of the ADCY5 protein (p.Arg438Pro). This variant is not present in population databases (gnomAD no frequency). This missense change has been observed in individual(s) with autosomal dominant ADCY5-related conditions (PMID: 26686870). Advanced modeling of protein sequence and biophysical properties (such as structural, functional, and spatial information, amino acid conservation, physicochemical variation, residue mobility, and thermodynamic stability) performed at Invitae indicates that this missense variant is expected to disrupt ADCY5 protein function with a positive predictive value of 80%. In summary, the available evidence is currently insufficient to determine the role of this variant in disease. Therefore, it has been classified as a Variant of Uncertain Significance.

Literature cited by the submitters: PubMed 26686870.